The following is an entry in ClinVar:

NM_001378120.1(MBD5):c.4238A>T (p.Asp1413Val)

Gene: MBD5 (methyl-CpG binding domain protein 5; plus strand). Cytogenetic location: 2q23.1.
Variant type: single nucleotide variant.
Coding change: c.4238A>T on transcript NM_001378120.1 (MANE Select); coding-DNA position 4238, A replaced by T.
Protein change: p.Asp1413Val; replaces aspartic acid 1413 with valine.
Molecular consequence: missense variant.
Genome position (GRCh38, 1-based): chr2:148,489,870, A>T. VCF-style: chr2-148489870-A-T. GRCh37 (hg19) VCF-style: chr2-149247439-A-T.
Other names: p.D1180V:GAT>GTT; c.3539A>T, p.Asp1180Val (NM_018328.5); short protein forms D1180V, D1413V.
Identifiers: ClinVar variation 206103 (VCV000206103.16), dbSNP rs752035001, ClinGen allele CA315862.

ClinVar aggregate classification (germline): Conflicting classifications of pathogenicity. Review status: criteria provided, conflicting classifications (1 of 4 stars). 4 submissions from 4 submitters: Uncertain significance (2); Likely benign (2). Last evaluated 2025-12-04.

Conditions:
Inborn genetic diseases. Identifiers: MedGen C0950123, MeSH D030342.
Intellectual developmental disorder, autosomal dominant 1. Also called: Intellectual disability, autosomal dominant 1; MBD5 Haploinsufficiency. Identifiers: Orphanet 228402, MedGen C1969562, MONDO:0007974, OMIM 156200.

Allele frequency attached by ClinVar (database versions not stated): gnomAD below 0.00001 and 0.00004; TOPMed 0.00003; gnomAD exomes 0.00004 and 0.00007; ExAC 0.00005.
gnomAD v4.1: 69 of 1,614,048 alleles (0.0043%); highest among the groups gnomAD compares: South Asian, 0.055%; no homozygotes.

Submissions (4):

Labcorp Genetics (formerly Invitae), Labcorp
Classification: Likely benign for Intellectual developmental disorder, autosomal dominant 1. Last evaluated: 2025-12-04. Review status: criteria provided, single submitter. Criteria: Invitae Variant Classification Sherloc (09022015). Collection method: clinical testing. Allele origin: germline.

Ambry Genetics
Classification: Likely benign for Inborn genetic diseases. Last evaluated: 2024-07-01. Review status: criteria provided, single submitter. Criteria: Ambry Variant Classification Scheme 2023. Collection method: clinical testing. Allele origin: germline.

Fulgent Genetics
Classification: Uncertain significance for Intellectual developmental disorder, autosomal dominant 1. Last evaluated: 2018-10-31. Review status: criteria provided, single submitter. Criteria: ACMG Guidelines, 2015. Collection method: clinical testing. Allele origin: unknown.

GeneDx
Classification: Uncertain significance. Last evaluated: 2014-09-26. Review status: criteria provided, single submitter. Criteria: GeneDx Variant Classification (06012015). Collection method: clinical testing. Allele origin: germline. Affected: yes.
Comment: p.Asp1180Val (D1180V) GAT>GTT: c.3539 A>T in exon 12 of the MBD5 gene (NM_018328.4) The D1180V variant has not been published as a mutation, nor has it been reported as a benign polymorphism to our knowledge. It was not observed in approximately 6,500 individuals of European and African American ancestry in the NHLBI Exome Sequencing Project, indicating it is not a common benign variant in these populations. The D1180V variant is a non-conservative amino acid substitution, which is likely to impact secondary protein structure as these residues differ in polarity, charge, size and/or other properties. This substitution occurs at a position that is conserved through mammals. In silico analysis predicts this variant is probably damaging to the protein structure/function. However, to our knowledge, only deletions and frameshift mutations in MBD5 have been published in association with epilepsy.Therefore, based on the currently available information, it is unclear whether this variant is a pathogenic mutation or a rare benign variant. The variant is found in INFANT-EPI panel(s).